The following is an entry in ClinVar:

NM_138694.4(PKHD1):c.6869G>T (p.Trp2290Leu)

Gene: PKHD1 (PKHD1 ciliary IPT domain containing fibrocystin/polyductin; minus strand). Cytogenetic location: 6p12.2.
Variant type: single nucleotide variant.
Coding change: c.6869G>T on transcript NM_138694.4 (MANE Select); coding-DNA position 6869, G replaced by T.
Protein change: p.Trp2290Leu; replaces tryptophan 2290 with leucine.
Molecular consequence: missense variant.
Genome position (GRCh38, 1-based): chr6:51,903,724, C>A on the plus strand (G>T on the coding strand, the complement: PKHD1 is on the minus strand). VCF-style: chr6-51903724-C-A. GRCh37 (hg19) VCF-style: chr6-51768522-C-A.
Other names: c.6869G>T, p.Trp2290Leu (NM_170724.3); short protein forms W2290L.
Identifiers: ClinVar variation 2195783 (VCV002195783.1), dbSNP rs772338147, ClinGen allele CA3852134.

ClinVar aggregate classification (germline): Uncertain significance (1 of 4 stars; one submission).

Conditions:
Autosomal recessive polycystic kidney disease (ARPKD). Also called: AR polycystic kidney disease. Identifiers: Orphanet 731, Orphanet 8378, MedGen C0085548, MeSH D017044, MONDO:0009889.

Allele frequency attached by ClinVar (database versions not stated): gnomAD exomes below 0.00001; ExAC 0.00002.

Submission:

Labcorp Genetics (formerly Invitae), Labcorp
Classification: Uncertain significance for Autosomal recessive polycystic kidney disease. Last evaluated: 2022-01-21. Review status: criteria provided, single submitter. Criteria: Invitae Variant Classification Sherloc (09022015). Collection method: clinical testing. Allele origin: germline.
Comment: This sequence change replaces tryptophan, which is neutral and slightly polar, with leucine, which is neutral and non-polar, at codon 2290 of the PKHD1 protein (p.Trp2290Leu). This variant is present in population databases (rs772338147, gnomAD 0.02%). This variant has not been reported in the literature in individuals affected with PKHD1-related conditions. Advanced modeling of protein sequence and biophysical properties (such as structural, functional, and spatial information, amino acid conservation, physicochemical variation, residue mobility, and thermodynamic stability) performed at Invitae indicates that this missense variant is not expected to disrupt PKHD1 protein function. In summary, the available evidence is currently insufficient to determine the role of this variant in disease. Therefore, it has been classified as a Variant of Uncertain Significance.